The following is an entry in ClinVar:

ClinVar aggregate classification (germline): Uncertain significance. Review status: criteria provided, multiple submitters, no conflicts (2 of 4 stars). 2 submissions from 2 submitters: Uncertain significance (2). Last evaluated 2025-09-13.

Conditions:
Inborn genetic diseases. Identifiers: MedGen C0950123, MeSH D030342.

gnomAD v4.1: 40 of 1,606,190 alleles (0.0025%); highest among the groups gnomAD compares: Non-Finnish European, 0.0033%; no homozygotes.

Submissions (2):

Labcorp Genetics (formerly Invitae), Labcorp
Classification: Uncertain significance. Last evaluated: 2025-09-13. Review status: criteria provided, single submitter. Criteria: Invitae Variant Classification Sherloc (09022015). Collection method: clinical testing. Allele origin: germline.
Comment: This sequence change replaces glutamine, which is neutral and polar, with histidine, which is basic and polar, at codon 450 of the SRCAP protein (p.Gln450His). This variant is not present in population databases (gnomAD no frequency). This variant has not been reported in the literature in individuals affected with SRCAP-related conditions. ClinVar contains an entry for this variant (Variation ID: 1984253). Invitae Evidence Modeling of protein sequence and biophysical properties (such as structural, functional, and spatial information, amino acid conservation, physicochemical variation, residue mobility, and thermodynamic stability) indicates that this missense variant is not expected to disrupt SRCAP protein function with a negative predictive value of 80%. In summary, the available evidence is currently insufficient to determine the role of this variant in disease. Therefore, it has been classified as a Variant of Uncertain Significance.

Ambry Genetics
Classification: Uncertain significance for Inborn genetic diseases. Last evaluated: 2025-06-25. Review status: criteria provided, single submitter. Criteria: Ambry Variant Classification Scheme 2023. Collection method: clinical testing. Allele origin: germline.

NM_006662.3(SRCAP):c.1350G>C (p.Gln450His)

Gene: SRCAP (Snf2 related CREBBP activator protein; plus strand). Cytogenetic location: 16p11.2.
Variant type: single nucleotide variant.
Coding change: c.1350G>C on transcript NM_006662.3 (MANE Select); coding-DNA position 1350, G replaced by C.
Protein change: p.Gln450His; replaces glutamine 450 with histidine.
Molecular consequence: missense variant.
Genome position (GRCh38, 1-based): chr16:30,711,602, G>C. VCF-style: chr16-30711602-G-C. GRCh37 (hg19) VCF-style: chr16-30722923-G-C.
Other names: c.1350G>C (NM_006662.2); short protein forms Q450H.
Identifiers: ClinVar variation 1984253 (VCV001984253.5), dbSNP rs146916680, ClinGen allele CA395603473.